The following is an entry in ClinVar:

NM_001384125.1(BLTP1):c.2902C>T (p.Arg968Cys)

Gene: BLTP1 (bridge-like lipid transfer protein family member 1; plus strand). Cytogenetic location: 4q27.
Variant type: single nucleotide variant.
Coding change: c.2902C>T on transcript NM_001384125.1 (MANE Select); coding-DNA position 2902, C replaced by T.
Protein change: p.Arg968Cys; replaces arginine 968 with cysteine.
Molecular consequence: missense variant.
Genome position (GRCh38, 1-based): chr4:122,226,815, C>T. VCF-style: chr4-122226815-C-T. GRCh37 (hg19) VCF-style: chr4-123147970-C-T.
Other names: c.2902C>T, p.Arg968Cys (NM_015312.4); short protein forms R968C.
Identifiers: ClinVar variation 487550 (VCV000487550.6), dbSNP rs1051597475, ClinGen allele CA104783893.

ClinVar aggregate classification (germline): Likely pathogenic. Review status: criteria provided, multiple submitters, no conflicts (2 of 4 stars). 3 submissions from 3 submitters: Likely pathogenic (2). 1 of the submissions does not count toward it. Last evaluated 2024-01-09.

Conditions:
Alkuraya-Kucinskas syndrome. Identifiers: Orphanet 610569, MedGen C4693347, MONDO:0060631, OMIM 617822.
KIAA1109-related disorders.

Allele frequency attached by ClinVar (database versions not stated): gnomAD exomes below 0.00001; TOPMed 0.00001.
gnomAD v4.1: 2 of 1,609,018 alleles (0.00012%); highest among the groups gnomAD compares: Non-Finnish European, 0.00017%; no homozygotes.

Submissions (3):

Blueprint Genetics
Classification: Likely pathogenic for KIAA1109-related disorders. Last evaluated: 2024-01-09. Review status: criteria provided, single submitter. Criteria: ACMG Guidelines, 2015. Collection method: clinical testing. Allele origin: germline. Affected: yes. Observed: 1 variant allele.

GeneDx
Classification: Likely pathogenic. Last evaluated: 2023-08-16. Review status: criteria provided, single submitter. Criteria: GeneDx Variant Classification Process June 2021. Collection method: clinical testing. Allele origin: germline. Affected: yes.
Comment: Not observed at significant frequency in large population cohorts (gnomAD); In silico analysis suggests that this missense variant does not alter protein structure/function, but splice predictors indicate that the variant may lead to abnormal gene splicing; This variant is associated with the following publications: (PMID: 29290337)

OMIM
Classification: Pathogenic for ALKURAYA-KUCINSKAS SYNDROME. Last evaluated: 2018-01-11. Review status: no assertion criteria provided. Collection method: literature only. Allele origin: germline. Not counted in ClinVar's aggregate classification.

Literature cited by the submitters: PubMed 29290337 (cited by OMIM).